The following is an entry in ClinVar:

NM_017986.4(SLC52A1):c.548C>T (p.Pro183Leu)

Gene: SLC52A1 (solute carrier family 52 member 1; minus strand). Cytogenetic location: 17p13.2.
Variant type: single nucleotide variant.
Coding change: c.548C>T on transcript NM_017986.4 (MANE Select); coding-DNA position 548, C replaced by T.
Protein change: p.Pro183Leu; replaces proline 183 with leucine.
Molecular consequence: missense variant.
Genome position (GRCh38, 1-based): chr17:5,033,941, G>A on the plus strand (C>T on the coding strand, the complement: SLC52A1 is on the minus strand). VCF-style: chr17-5033941-G-A. GRCh37 (hg19) VCF-style: chr17-4937236-G-A.
Other names: c.548C>T, p.Pro183Leu (NM_001104577.2); short protein forms P183L.
Identifiers: ClinVar variation 1384430 (VCV001384430.6), dbSNP rs767915936, ClinGen allele CA397330372.

ClinVar aggregate classification (germline): Uncertain significance (1 of 4 stars; one submission).

Conditions:
Vitamin B2 deficiency. Identifiers: MedGen C0035528.

gnomAD v4.1: 1 of 1,614,086 alleles (0.000062%); highest among the groups gnomAD compares: Non-Finnish European, 0.000085%; no homozygotes.

Submission:

Labcorp Genetics (formerly Invitae), Labcorp
Classification: Uncertain significance for Vitamin B2 deficiency. Last evaluated: 2021-10-17. Review status: criteria provided, single submitter. Criteria: Invitae Variant Classification Sherloc (09022015). Collection method: clinical testing. Allele origin: germline.
Comment: Algorithms developed to predict the effect of missense changes on protein structure and function (SIFT, PolyPhen-2, Align-GVGD) all suggest that this variant is likely to be tolerated. In summary, the available evidence is currently insufficient to determine the role of this variant in disease. Therefore, it has been classified as a Variant of Uncertain Significance. This variant has not been reported in the literature in individuals affected with SLC52A1-related conditions. This sequence change replaces proline with leucine at codon 183 of the SLC52A1 protein (p.Pro183Leu). The proline residue is moderately conserved and there is a moderate physicochemical difference between proline and leucine. This variant is not present in population databases (ExAC no frequency).